The following is an entry in ClinVar:

ClinVar aggregate classification (germline): Uncertain significance (1 of 4 stars; one submission).

Conditions:
Ellis-van Creveld syndrome (EVC). Also called: MESOECTODERMAL DYSPLASIA; EVC-Related Ellis-van Creveld Syndrome; EVC2-Related Ellis-van Creveld Syndrome; Chondroectodermal dysplasia. Identifiers: Orphanet 289, MedGen C0013903, MONDO:0009162, OMIM 225500.
Curry-Hall syndrome (WAD). Also called: WEYERS ACRODENTAL DYSOSTOSIS. Identifiers: Orphanet 952, MedGen C0457013, MONDO:0008673, OMIM 193530.

gnomAD v4.1: 29 of 1,613,022 alleles (0.0018%); highest among the groups gnomAD compares: Admixed American, 0.0067%; no homozygotes.

Submission:

Labcorp Genetics (formerly Invitae), Labcorp
Classification: Uncertain significance for Curry-Hall syndrome; Ellis-van Creveld syndrome. Last evaluated: 2022-04-22. Review status: criteria provided, single submitter. Criteria: Invitae Variant Classification Sherloc (09022015). Collection method: clinical testing. Allele origin: germline.
Comment: This sequence change replaces proline, which is neutral and non-polar, with serine, which is neutral and polar, at codon 899 of the EVC2 protein (p.Pro899Ser). This variant is present in population databases (no rsID available, gnomAD 0.01%). This variant has not been reported in the literature in individuals affected with EVC2-related conditions. Algorithms developed to predict the effect of missense changes on protein structure and function are either unavailable or do not agree on the potential impact of this missense change (SIFT: "Tolerated"; PolyPhen-2: "Probably Damaging"; Align-GVGD: "Class C0"). In summary, the available evidence is currently insufficient to determine the role of this variant in disease. Therefore, it has been classified as a Variant of Uncertain Significance.

NM_147127.5(EVC2):c.2695C>T (p.Pro899Ser)

Gene: EVC2 (EvC ciliary complex subunit 2; minus strand). Cytogenetic location: 4p16.2.
Variant type: single nucleotide variant.
Coding change: c.2695C>T on transcript NM_147127.5 (MANE Select); coding-DNA position 2695, C replaced by T.
Protein change: p.Pro899Ser; replaces proline 899 with serine.
Molecular consequence: missense variant.
Genome position (GRCh38, 1-based): chr4:5,618,489, G>A on the plus strand (C>T on the coding strand, the complement: EVC2 is on the minus strand). VCF-style: chr4-5618489-G-A. GRCh37 (hg19) VCF-style: chr4-5620216-G-A.
Other names: c.2455C>T, p.Pro819Ser (NM_001166136.2); short protein forms P819S, P899S.
Identifiers: ClinVar variation 2042392 (VCV002042392.1), dbSNP rs770322843, ClinGen allele CA91696808.